The following is an entry in ClinVar:

NM_005909.5(MAP1B):c.2117_2118del (p.Pro706fs)

Gene: MAP1B (microtubule associated protein 1B; plus strand). Cytogenetic location: 5q13.2.
Variant type: Deletion.
Coding change: c.2117_2118del on transcript NM_005909.5 (MANE Select); coding-DNA positions 2117 to 2118, 2 bases deleted (CA; older notation c.2117_2118delCA).
Protein change: p.Pro706fs; shifts the reading frame from proline 706.
Molecular consequence: frameshift variant.
Genome position (GRCh38, 1-based): chr5:72,195,472-72,195,473, CA deleted. VCF-style (leftmost placement, unchanged base first): chr5-72195471-CCA-C. GRCh37 (hg19) VCF-style: chr5-71491298-CCA-C.
Other names: c.1739_1740del, p.Pro580fs (NM_001324255.2); short protein forms P706fs, P580fs.
Identifiers: ClinVar variation 4991867 (VCV004991867.1).

ClinVar aggregate classification (germline): Likely pathogenic (1 of 4 stars; one submission).

Conditions:
MAP1B-related disorder. Also called: MAP1B-related condition.

Submission:

PreventionGenetics, part of Exact Sciences
Classification: Likely pathogenic for MAP1B-related condition. Last evaluated: 2026-02-01. Review status: criteria provided, single submitter. Criteria: ACMG Guidelines, 2015. Collection method: clinical testing. Allele origin: germline.
Comment: The MAP1B c.2117_2118delCA variant is predicted to result in a frameshift and premature protein termination (p.Pro706Glnfs*8). To our knowledge, this variant has not been reported in the literature or in a large population database (gnomAD), indicating this variant is rare. Frameshift variants in MAP1B are expected to be pathogenic. This variant is interpreted as likely pathogenic.